The following is an entry in ClinVar:

ClinVar aggregate classification (germline): not provided (0 of 4 stars; one submission).

Allele frequency attached by ClinVar (database versions not stated): gnomAD exomes 0.00009 and 0.00027; ExAC 0.00037; 1000 Genomes Project 30x 0.00062; ESP Exome Variant Server 0.00077; 1000 Genomes Project 0.00080; gnomAD 0.00085 and 0.00087; TOPMed 0.00105.
gnomAD v4.1: 275 of 1,612,762 alleles (0.017%); highest among the groups gnomAD compares: African/African-American, 0.29%; 1 homozygote.

Submission:

Human Evolutionary Genetics, Institut Pasteur
No classification provided. Review status: no classification provided. Collection method: not provided. Allele origin: germline.
ClinVar note: Converted during submission from untested to not provided.

NM_001384950.1(NLRC5):c.5321+11G>A

Gene: NLRC5 (NLR family CARD domain containing 5; plus strand). Cytogenetic location: 16q13.
Variant type: single nucleotide variant.
Coding change: c.5321+11G>A on transcript NM_001384950.1 (MANE Select); 11 bases into the intron after coding-DNA position 5321, G replaced by A.
Molecular consequence: intron variant.
Genome position (GRCh38, 1-based): chr16:57,079,640, G>A. VCF-style: chr16-57079640-G-A. GRCh37 (hg19) VCF-style: chr16-57113552-G-A.
Other names: c.5237+11G>A (NM_001384954.1); c.5318+11G>A (NM_001384953.1, NM_001384952.1); c.5231+11G>A (NM_001384957.1); c.5234+11G>A (NM_001384956.1, NM_001384951.1, NM_001384955.1 and 1 more transcripts); c.5144+11G>A (NM_001384959.1); c.5321+11G>A (NM_032206.5); c.5147+11G>A (NM_001384958.1); c.5060+11G>A (NM_001384960.1).
Identifiers: ClinVar variation 103208 (VCV000103208.2), dbSNP rs199476020, ClinGen allele CA230259.
Genomic context (GRCh38, chr16:57,079,640, plus strand): 5'-AAGCTCCTCACCTCCAGCTTCACGAGCTGCCCTGCCCTGGAAGTAATCTTGTGAGTGATT[G>A]GAAGAGCCCTGAGCTGGCTGGGAAAAGGAAAAGTCGGGAGGGGTCGGGGGAGTTGGCTCC-3'